The following is an entry in ClinVar:

ClinVar aggregate classification (germline): Uncertain significance (1 of 4 stars; one submission).

Submission:

GeneDx
Classification: Uncertain significance. Last evaluated: 2025-04-29. Review status: criteria provided, single submitter. Criteria: GeneDx Variant Classification Process June 2021. Collection method: clinical testing. Allele origin: germline. Affected: yes.
Comment: Not observed at significant frequency in large population cohorts (gnomAD); Frameshift variant predicted to result in protein truncation or nonsense mediated decay in a gene or region of a gene for which loss of function is not a well-established mechanism of disease; Has not been previously published as pathogenic or benign to our knowledge

NM_032108.4(SEMA6B):c.65dup (p.Ala23fs)

Gene: SEMA6B (semaphorin 6B; minus strand). Cytogenetic location: 19p13.3.
Variant type: Duplication.
Coding change: c.65dup on transcript NM_032108.4 (MANE Select); coding-DNA position 65, one base duplicated (G; older notation c.65dupG).
Protein change: p.Ala23fs; shifts the reading frame from alanine 23.
Molecular consequence: frameshift variant.
Genome position (GRCh38, 1-based): chr19:4,558,393, C duplicated on the plus strand (G on the coding strand, the reverse complement: SEMA6B is on the minus strand); the first of 6 consecutive C bases (chr19:4,558,393-4,558,398); duplicating any one gives the same sequence. VCF-style (leftmost placement, unchanged base first): chr19-4558392-G-GC. GRCh37 (hg19) VCF-style: chr19-4558404-G-GC.
Other names: short protein forms A23fs.
Identifiers: ClinVar variation 4527923 (VCV004527923.1).